The following is an entry in ClinVar:

ClinVar aggregate classification (germline): Conflicting classifications of pathogenicity. Review status: criteria provided, conflicting classifications (1 of 4 stars). 6 submissions from 6 submitters: Uncertain significance (4); Likely benign (2). Last evaluated 2026-02-01.

Conditions:
Cardiovascular phenotype. Identifiers: MedGen CN230736.
Familial isolated arrhythmogenic right ventricular dysplasia. Identifiers: Orphanet 217656, MedGen C4274968, MONDO:0016342.
Cardiomyopathy (CMYO). Also called: Cardiomyopathies. Identifiers: Orphanet 167848, MedGen C0878544, MONDO:0004994, HP:0001638. Inheritance: Various modes of inheritance.
Arrhythmogenic right ventricular dysplasia 11. Also called: ARRHYTHMOGENIC RIGHT VENTRICULAR DYSPLASIA, FAMILIAL, 11; Arrhythmogenic Right Ventricular Dysplasia/Cardiomyopathy11; Arrhythmogenic right ventricular dysplasia 11 with mild palmoplantar keratoderma and woolly hair. Identifiers: MedGen C1864850, MONDO:0012506, OMIM 610476.

Allele frequency attached by ClinVar (database versions not stated): ESP Exome Variant Server 0.00008; gnomAD 0.00002; gnomAD exomes 0.00002 and 0.00004; TOPMed 0.00003; ExAC 0.00004.
gnomAD v4.1: 41 of 1,613,916 alleles (0.0025%); highest among the groups gnomAD compares: Middle Eastern, 0.016%; no homozygotes.

Submissions (6):

Labcorp Genetics (formerly Invitae), Labcorp
Classification: Uncertain significance for Arrhythmogenic right ventricular dysplasia 11. Last evaluated: 2026-02-01. Review status: criteria provided, single submitter. Criteria: Invitae Variant Classification Sherloc (09022015). Collection method: clinical testing. Allele origin: germline.
Comment: This sequence change replaces serine, which is neutral and polar, with leucine, which is neutral and non-polar, at codon 794 of the DSC2 protein (p.Ser794Leu). This variant is present in population databases (rs1617629, gnomAD 0.009%). This variant has not been reported in the literature in individuals affected with DSC2-related conditions. ClinVar contains an entry for this variant (Variation ID: 373169). Invitae Evidence Modeling of protein sequence and biophysical properties (such as structural, functional, and spatial information, amino acid conservation, physicochemical variation, residue mobility, and thermodynamic stability) indicates that this missense variant is not expected to disrupt DSC2 protein function with a negative predictive value of 80%. In summary, the available evidence is currently insufficient to determine the role of this variant in disease. Therefore, it has been classified as a Variant of Uncertain Significance.

Color Diagnostics, LLC DBA Color Health
Classification: Uncertain significance for Cardiomyopathy. Last evaluated: 2024-08-27. Review status: criteria provided, single submitter. Criteria: ACMG Guidelines, 2015. Collection method: clinical testing. Allele origin: germline.
Comment: This missense variant replaces serine with leucine at codon 794 of the DSC2 protein. Computational prediction suggests that this variant may not impact protein structure and function. To our knowledge, functional studies have not been reported for this variant. This variant has been reported in an individual affected with unspecified cardiomyopathy (PMID: 36768812). This variant has been identified in 9/251150 chromosomes in the general population by the Genome Aggregation Database (gnomAD). The available evidence is insufficient to determine the role of this variant in disease conclusively. Therefore, this variant is classified as a Variant of Uncertain Significance.

Blueprint Genetics
Classification: Likely benign. Last evaluated: 2022-10-13. Review status: criteria provided, single submitter. Criteria: ACMG Guidelines, 2015. Collection method: clinical testing. Allele origin: germline.

Ambry Genetics
Classification: Likely benign for Cardiovascular phenotype. Last evaluated: 2021-09-01. Review status: criteria provided, single submitter. Criteria: Ambry Variant Classification Scheme 2023. Collection method: clinical testing. Allele origin: germline.

Department of Pathology and Laboratory Medicine, Sinai Health System
Classification: Uncertain significance for familial isolated arrhythmogenic right ventricular dysplasia. Last evaluated: 2020-06-09. Review status: criteria provided, single submitter. Criteria: ACMG Guidelines, 2015. Collection method: research. Allele origin: germline.

GeneDx
Classification: Uncertain significance. Last evaluated: 2016-11-17. Review status: criteria provided, single submitter. Criteria: GeneDx Variant Classification (06012015). Collection method: clinical testing. Allele origin: germline. Affected: yes.
Comment: A variant of uncertain significance has been identified in the DSC2 gene. The S794L variant has not been published as a pathogenic variant, nor has it been reported as a benign variant to our knowledge. It was not observed with any significant frequency in approximately 6,500 individuals of European and African American ancestry in the NHLBI Exome Sequencing Project, indicating it is not a common benign variant in these populations. In addition, the S794L variant is a non-conservative amino acid substitution, which is likely to impact secondary protein structure as these residues differ in polarity, charge, size and/or other properties. However, this substitution occurs at a position that is not conserved across species, and in silico analysis predicts this variant likely does not alter the protein structure/function.Therefore, based on the currently available information, it is unclear whether this variant is pathogenic or rare benign.

Literature cited by the submitters: PubMed 36768812 (cited by Color Diagnostics, LLC DBA Color Health).

NM_024422.6(DSC2):c.2381C>T (p.Ser794Leu)

Gene: DSC2 (desmocollin 2; minus strand). Cytogenetic location: 18q12.1.
Variant type: single nucleotide variant.
Coding change: c.2381C>T on transcript NM_024422.6 (MANE Select); coding-DNA position 2381, C replaced by T.
Protein change: p.Ser794Leu; replaces serine 794 with leucine.
Molecular consequence: missense variant.
Genome position (GRCh38, 1-based): chr18:31,069,021, G>A on the plus strand (C>T on the coding strand, the complement: DSC2 is on the minus strand). VCF-style: chr18-31069021-G-A. GRCh37 (hg19) VCF-style: chr18-28648987-G-A.
Other names: c.2381C>T, p.Ser794Leu (NM_004949.5); short protein forms S794L.
Identifiers: ClinVar variation 373169 (VCV000373169.18), dbSNP rs1617629, ClinGen allele CA036462.